The following is an entry in ClinVar:

ClinVar aggregate classification (germline): Uncertain significance (1 of 4 stars; one submission).

Conditions:
Hereditary cancer-predisposing syndrome. Also called: Hereditary neoplastic syndrome; Neoplastic Syndromes, Hereditary; Tumor predisposition; Hereditary Cancer Syndrome. Identifiers: Orphanet 140162, MedGen C0027672, MeSH D009386, MONDO:0015356.

Submission:

Ambry Genetics
Classification: Uncertain significance for Hereditary cancer-predisposing syndrome. Last evaluated: 2025-08-27. Review status: criteria provided, single submitter. Criteria: Ambry Variant Classification Scheme 2023. Collection method: clinical testing. Allele origin: germline.
Comment: The p.V81D variant (also known as c.242T>A), located in coding exon 3 of the MUTYH gene, results from a T to A substitution at nucleotide position 242. The valine at codon 81 is replaced by aspartic acid, an amino acid with highly dissimilar properties. This amino acid position is conserved. In addition, this alteration is predicted to be tolerated by in silico analysis. Based on the available evidence, the clinical significance of this variant remains unclear.

NM_001048174.2(MUTYH):c.158T>A (p.Val53Asp)

Gene: MUTYH (mutY DNA glycosylase; minus strand). Cytogenetic location: 1p34.1.
Variant type: single nucleotide variant.
Coding change: c.158T>A on transcript NM_001048174.2 (MANE Select); coding-DNA position 158, T replaced by A.
Protein change: p.Val53Asp; replaces valine 53 with aspartic acid.
Molecular consequence: missense variant. On other transcripts: 5 prime UTR variant (1), non-coding transcript variant (5), intron variant (5).
Genome position (GRCh38, 1-based): chr1:45,333,519, A>T on the plus strand (T>A on the coding strand, the complement: MUTYH is on the minus strand). VCF-style: chr1-45333519-A-T. GRCh37 (hg19) VCF-style: chr1-45799191-A-T.
Other names: c.158T>A, p.Val53Asp (NM_001048171.2, NM_001048173.2, NM_001293195.2 and 6 more transcripts); c.161T>A, p.Val54Asp (NM_001048172.2, NM_001407071.1, NM_001407078.1 and 2 more transcripts); c.242T>A, p.Val81Asp (NM_001128425.2); c.203T>A, p.Val68Asp (NM_001293190.2); c.191T>A, p.Val64Asp (NM_001293191.2, NM_001407077.1); c.-114T>A (NM_001350650.2); c.233T>A, p.Val78Asp (NM_001407069.1, NM_012222.3); c.200T>A, p.Val67Asp (NM_001407073.1, NM_001407083.1, NM_001407085.1); and 4 more; short protein forms V53D, V68D, V64D, V78D, V81D, V25D, V60D, V67D.
Identifiers: ClinVar variation 4113541 (VCV004113541.1).
Genomic context (GRCh38, chr1:45,333,519, plus strand): 5'-AGCAGGCTCCCTCGGAAGGCTGTGACTTCAGCTACGTCTCTGAATAGATGGTATGAGGAG[A>T]CAGAGGCCTGCAATACCACCTCTTCCGGCTGCCTGGCCAGGCCTGCTGGGGCCCCAGGAC-3'
Protein context (NP_001041639.1, residues 43-63): QPEEVVLQAS[Val53Asp]SSYHLFRDVA